The following is an entry in ClinVar:

NM_001099922.3(ALG13):c.2654T>C (p.Ile885Thr)

Gene: ALG13 (ALG13 UDP-N-acetylglucosaminyltransferase subunit; plus strand). Cytogenetic location: Xq23.
Variant type: single nucleotide variant.
Coding change: c.2654T>C on transcript NM_001099922.3 (MANE Select); coding-DNA position 2654, T replaced by C.
Protein change: p.Ile885Thr; replaces isoleucine 885 with threonine.
Molecular consequence: missense variant. On other transcripts: non-coding transcript variant (1).
Genome position (GRCh38, 1-based): chrX:111,736,838, T>C. VCF-style: chrX-111736838-T-C. GRCh37 (hg19) VCF-style: chrX-110980066-T-C.
Other names: c.2342T>C, p.Ile781Thr (NM_001257230.2, NM_001257234.2, NM_001257237.2); c.2420T>C, p.Ile807Thr (NM_001257231.2); c.2654T>C, p.Ile885Thr (NM_001324292.2); c.2168T>C, p.Ile723Thr (NM_001324293.1); short protein forms I885T, I781T, I723T, I807T.
Identifiers: ClinVar variation 384527 (VCV000384527.13), dbSNP rs781459134, ClinGen allele CA10493951.

ClinVar aggregate classification (germline): Conflicting classifications of pathogenicity. Review status: criteria provided, conflicting classifications (1 of 4 stars). 6 submissions from 6 submitters: Uncertain significance (1); Benign (2); Likely benign (3). Last evaluated 2026-01-15.

Conditions:
Intellectual disability. Also called: Intellectual developmental disorder; Intellectual functioning disability; intellectual disabilities. Identifiers: MedGen C3714756, MeSH D008607, MONDO:0001071, HP:0001249.
Developmental and epileptic encephalopathy, 36 (DEE36). Also called: ALG13-CDG; Congenital disorder of glycosylation, type Is; Epileptic encephalopathy, early infantile, 36. Identifiers: Orphanet 324422, MedGen C4317295, MONDO:0010472, OMIM 300884.

Allele frequency attached by ClinVar (database versions not stated): TOPMed 0.00007; gnomAD 0.00014 and 0.00015; gnomAD exomes 0.00014 and 0.00015; ExAC 0.00017.
gnomAD v4.1: 178 of 1,208,666 alleles (0.015%); highest among the groups gnomAD compares: Non-Finnish European, 0.016%; no homozygotes.

Submissions (6):

Labcorp Genetics (formerly Invitae), Labcorp
Classification: Benign for Developmental and epileptic encephalopathy, 36. Last evaluated: 2026-01-15. Review status: criteria provided, single submitter. Criteria: Invitae Variant Classification Sherloc (09022015). Collection method: clinical testing. Allele origin: germline.

Blueprint Genetics
Classification: Likely benign. Last evaluated: 2022-09-14. Review status: criteria provided, single submitter. Criteria: ACMG Guidelines, 2015. Collection method: clinical testing. Allele origin: germline.

Genome-Nilou Lab
Classification: Benign for Developmental and epileptic encephalopathy, 36. Last evaluated: 2021-12-05. Review status: criteria provided, single submitter. Criteria: ACMG Guidelines, 2015. Collection method: clinical testing. Allele origin: germline. Affected: no.

Fulgent Genetics
Classification: Likely benign for Developmental and epileptic encephalopathy, 36. Last evaluated: 2021-10-04. Review status: criteria provided, single submitter. Criteria: ACMG Guidelines, 2015. Collection method: clinical testing. Allele origin: unknown.

Cambridge Genomics Laboratory, East Genomic Laboratory Hub, NHS Genomic Medicine Service
Classification: Uncertain significance for Intellectual disability. Last evaluated: 2020-04-29. Review status: criteria provided, single submitter. Criteria: ACGS Best Practice Guidelines for Variant Classification in Rare Disease 2020. Collection method: clinical testing. Allele origin: germline. Affected: yes. Observed: 1 variant allele.

GeneDx
Classification: Likely benign. Last evaluated: 2017-09-28. Review status: criteria provided, single submitter. Criteria: GeneDx Variant Classification (06012015). Collection method: clinical testing. Allele origin: germline. Affected: yes.
Comment: This variant is considered likely benign or benign based on one or more of the following criteria: it is a conservative change, it occurs at a poorly conserved position in the protein, it is predicted to be benign by multiple in silico algorithms, and/or has population frequency not consistent with disease.